The following is an entry in ClinVar:

NM_033087.4(ALG2):c.145A>G (p.Ile49Val)

Gene: ALG2 (ALG2 alpha-1,3/1,6-mannosyltransferase; minus strand). Cytogenetic location: 9q22.33.
Variant type: single nucleotide variant.
Coding change: c.145A>G on transcript NM_033087.4 (MANE Select); coding-DNA position 145, A replaced by G.
Protein change: p.Ile49Val; replaces isoleucine 49 with valine.
Molecular consequence: missense variant. On other transcripts: non-coding transcript variant (1).
Genome position (GRCh38, 1-based): chr9:99,221,750, T>C on the plus strand (A>G on the coding strand, the complement: ALG2 is on the minus strand). VCF-style: chr9-99221750-T-C. GRCh37 (hg19) VCF-style: chr9-101984032-T-C.
Other names: short protein forms I49V.
Identifiers: ClinVar variation 1435416 (VCV001435416.5), dbSNP rs759980920, ClinGen allele CA374232250.
Genomic context (GRCh38, chr9:99,221,750, plus strand): 5'-GCACCGGTAGCTCGCGGCTCTCGGCGAAACAGTGGCCCGGGTCGTAGTGCGCTGTCCAGA[T>C]CTTCACGCTACACCCGCGCGCCTGCAGCGCCAGCGCCGCGTCCAACACCAGCCGCTCAGC-3'
Protein context (NP_149078.1, residues 39-59): ALQARGCSVK[Ile49Val]WTAHYDPGHC

ClinVar aggregate classification (germline): Uncertain significance (1 of 4 stars; one submission).

Conditions:
Congenital disorder of glycosylation, type Ii. Also called: ALG2-congenital disorder of glycosylation; ALG2-CDG; CDG Ii. Identifiers: Orphanet 79326, MedGen C1842836, MONDO:0011933, OMIM 607906.
Congenital myasthenic syndrome 14. Also called: Myasthenic syndrome, congenital, 14, with tubular aggregates. Identifiers: Orphanet 353327, Orphanet 590, MedGen C4015597, MONDO:0014543, OMIM 616228.

Allele frequency attached by ClinVar (database versions not stated): TOPMed below 0.00001.
gnomAD v4.1: 1 of 1,598,946 alleles (0.000063%); highest among the groups gnomAD compares: African/African-American, 0.0013%; no homozygotes.

Submission:

Labcorp Genetics (formerly Invitae), Labcorp
Classification: Uncertain significance for Congenital disorder of glycosylation, type Ii; Congenital myasthenic syndrome 14. Last evaluated: 2022-08-23. Review status: criteria provided, single submitter. Criteria: Invitae Variant Classification Sherloc (09022015). Collection method: clinical testing. Allele origin: germline.
Comment: This sequence change replaces isoleucine, which is neutral and non-polar, with valine, which is neutral and non-polar, at codon 49 of the ALG2 protein (p.Ile49Val). This variant is not present in population databases (gnomAD no frequency). This variant has not been reported in the literature in individuals affected with ALG2-related conditions. ClinVar contains an entry for this variant (Variation ID: 1435416). Algorithms developed to predict the effect of missense changes on protein structure and function output the following: SIFT: "Tolerated"; PolyPhen-2: "Benign"; Align-GVGD: "Class C0". The valine amino acid residue is found in multiple mammalian species, which suggests that this missense change does not adversely affect protein function. Algorithms developed to predict the effect of sequence changes on RNA splicing suggest that this variant may create or strengthen a splice site. In summary, the available evidence is currently insufficient to determine the role of this variant in disease. Therefore, it has been classified as a Variant of Uncertain Significance.